The following is an entry in ClinVar:

NM_207361.6(FREM2):c.5538G>A (p.Glu1846=)

Gene: FREM2 (FRAS1 related extracellular matrix 2; plus strand). Cytogenetic location: 13q13.3.
Variant type: single nucleotide variant.
Coding change: c.5538G>A on transcript NM_207361.6 (MANE Select); coding-DNA position 5538, G replaced by A.
Protein change: p.Glu1846=; no amino-acid change (glutamic acid 1846 retained).
Molecular consequence: synonymous variant.
Genome position (GRCh38, 1-based): chr13:38,769,705, G>A. VCF-style: chr13-38769705-G-A. GRCh37 (hg19) VCF-style: chr13-39343842-G-A.
Identifiers: ClinVar variation 3032683 (VCV003032683.2), dbSNP rs2541427970, ClinGen allele CA483445271.

ClinVar aggregate classification (germline): Likely benign (0 of 4 stars; one submission).

Conditions:
FREM2-related disorder. Also called: FREM2-related condition.

Allele frequency attached by ClinVar (database versions not stated): gnomAD exomes below 0.00001.
gnomAD v4.1: 2 of 1,614,138 alleles (0.00012%); highest among the groups gnomAD compares: East Asian, 0.0022%; no homozygotes.

Submission:

PreventionGenetics, part of Exact Sciences
Classification: Likely benign for FREM2-related condition. Last evaluated: 2020-09-30. Review status: no assertion criteria provided. Collection method: clinical testing. Allele origin: germline.
Comment: This variant is classified as likely benign based on ACMG/AMP sequence variant interpretation guidelines (Richards et al. 2015 PMID: 25741868, with internal and published modifications).